The following is an entry in ClinVar:

NM_002234.4(KCNA5):c.1303G>A (p.Gly435Arg)

Gene: KCNA5 (potassium voltage-gated channel subfamily A member 5; plus strand). Cytogenetic location: 12p13.32.
Variant type: single nucleotide variant.
Coding change: c.1303G>A on transcript NM_002234.4 (MANE Select); coding-DNA position 1303, G replaced by A.
Protein change: p.Gly435Arg; replaces glycine 435 with arginine.
Molecular consequence: missense variant.
Genome position (GRCh38, 1-based): chr12:5,045,450, G>A. VCF-style: chr12-5045450-G-A. GRCh37 (hg19) VCF-style: chr12-5154616-G-A.
Other names: short protein forms G435R.
Identifiers: ClinVar variation 837177 (VCV000837177.9), dbSNP rs1862765898, ClinGen allele CA383466193.

ClinVar aggregate classification (germline): Uncertain significance (1 of 4 stars; one submission).

Conditions:
Atrial fibrillation, familial, 7 (ATFB7). Identifiers: MedGen C2677106, MONDO:0012828, OMIM 612240.

Allele frequency attached by ClinVar (database versions not stated): gnomAD exomes below 0.00001.
gnomAD v4.1: 2 of 1,614,174 alleles (0.00012%); highest among the groups gnomAD compares: Non-Finnish European, 0.00017%; no homozygotes.

Submission:

Labcorp Genetics (formerly Invitae), Labcorp
Classification: Uncertain significance for Atrial fibrillation, familial, 7. Last evaluated: 2023-08-20. Review status: criteria provided, single submitter. Criteria: Invitae Variant Classification Sherloc (09022015). Collection method: clinical testing. Allele origin: germline.
Comment: This variant has not been reported in the literature in individuals affected with KCNA5-related conditions. This sequence change replaces glycine, which is neutral and non-polar, with arginine, which is basic and polar, at codon 435 of the KCNA5 protein (p.Gly435Arg). This variant is not present in population databases (gnomAD no frequency). ClinVar contains an entry for this variant (Variation ID: 837177). Advanced modeling of protein sequence and biophysical properties (such as structural, functional, and spatial information, amino acid conservation, physicochemical variation, residue mobility, and thermodynamic stability) performed at Invitae indicates that this missense variant is expected to disrupt KCNA5 protein function. In summary, the available evidence is currently insufficient to determine the role of this variant in disease. Therefore, it has been classified as a Variant of Uncertain Significance.